The following is an entry in ClinVar:

ClinVar aggregate classification (germline): Uncertain significance (1 of 4 stars; one submission).

Conditions:
Familial focal epilepsy with variable foci (FPEVF). Identifiers: Orphanet 98820, MedGen C1858477, MONDO:0020310.

Allele frequency attached by ClinVar (database versions not stated): gnomAD exomes below 0.00001; gnomAD 0.00001; TOPMed 0.00001.
gnomAD v4.1: 6 of 1,613,916 alleles (0.00037%); highest among the groups gnomAD compares: African/African-American, 0.0067%; no homozygotes.

Submission:

Labcorp Genetics (formerly Invitae), Labcorp
Classification: Uncertain significance for Familial focal epilepsy with variable foci. Last evaluated: 2025-07-30. Review status: criteria provided, single submitter. Criteria: Invitae Variant Classification Sherloc (09022015). Collection method: clinical testing. Allele origin: germline.
Comment: This sequence change replaces asparagine, which is neutral and polar, with serine, which is neutral and polar, at codon 1582 of the DEPDC5 protein (p.Asn1582Ser). This variant is present in population databases (no rsID available, gnomAD 0.008%). This variant has not been reported in the literature in individuals affected with DEPDC5-related conditions. ClinVar contains an entry for this variant (Variation ID: 965878). Experimental studies and prediction algorithms are not available or were not evaluated, and the functional significance of this variant is currently unknown. In summary, the available evidence is currently insufficient to determine the role of this variant in disease. Therefore, it has been classified as a Variant of Uncertain Significance.

NM_001242896.3(DEPDC5):c.4745A>G (p.Asn1582Ser)

Gene: DEPDC5 (DEP domain containing 5, GATOR1 subcomplex subunit; plus strand). Cytogenetic location: 22q12.3.
Variant type: single nucleotide variant.
Coding change: c.4745A>G on transcript NM_001242896.3 (MANE Select); coding-DNA position 4745, A replaced by G.
Protein change: p.Asn1582Ser; replaces asparagine 1582 with serine.
Molecular consequence: missense variant. On other transcripts: non-coding transcript variant (5).
Genome position (GRCh38, 1-based): chr22:31,906,430, A>G. VCF-style: chr22-31906430-A-G. GRCh37 (hg19) VCF-style: chr22-32302416-A-G.
Other names: c.4718A>G, p.Asn1573Ser (NM_001136029.4); c.4445A>G, p.Asn1482Ser (NM_001242897.2); c.4679A>G, p.Asn1560Ser (NM_001363852.2, NM_001364320.2); c.4511A>G, p.Asn1504Ser (NM_001363854.2, NM_001364319.2); c.4745A>G, p.Asn1582Ser (NM_001364318.2); c.4661A>G, p.Asn1554Ser (NM_001369901.1, NM_001369902.1); c.4652A>G, p.Asn1551Ser (NM_001369903.1, NM_014662.6); short protein forms N1482S, N1504S, N1560S, N1573S, N1551S, N1554S, N1582S.
Identifiers: ClinVar variation 965878 (VCV000965878.10), dbSNP rs1415667624, ClinGen allele CA411293198.
Genomic context (GRCh38, chr22:31,906,430, plus strand): 5'-CCACAGGGGATGAAAAGTTTGCTGATCGGCTGCTGAAGGACTTCACGGACTTCTGCATCA[A>G]CCGTGACAACCGGCTGGTCACGTTCTGGACAAGTTGCCTGGAGAAGATGCATGCCAGTGC-3'
Protein context (NP_001229825.1, residues 1572-1592): LLKDFTDFCI[Asn1582Ser]RDNRLVTFWT